The following is an entry in ClinVar:

NM_003701.4(TNFSF11):c.620T>C (p.Ile207Thr)

Gene: TNFSF11 (TNF superfamily member 11; plus strand). Cytogenetic location: 13q14.11.
Variant type: single nucleotide variant.
Coding change: c.620T>C on transcript NM_003701.4 (MANE Select); coding-DNA position 620, T replaced by C.
Protein change: p.Ile207Thr; replaces isoleucine 207 with threonine.
Molecular consequence: missense variant.
Genome position (GRCh38, 1-based): chr13:42,606,584, T>C. VCF-style: chr13-42606584-T-C. GRCh37 (hg19) VCF-style: chr13-43180720-T-C.
Other names: c.401T>C, p.Ile134Thr (NM_033012.4); short protein forms I134T, I207T.
Identifiers: ClinVar variation 1933397 (VCV001933397.3), dbSNP rs949821650, ClinGen allele CA249053398.

ClinVar aggregate classification (germline): Uncertain significance (1 of 4 stars; one submission).

Allele frequency attached by ClinVar (database versions not stated): gnomAD exomes below 0.00001.
gnomAD v4.1: 2 of 1,614,216 alleles (0.00012%); highest among the groups gnomAD compares: Non-Finnish European, 0.00017%; no homozygotes.

Submission:

Labcorp Genetics (formerly Invitae), Labcorp
Classification: Uncertain significance. Last evaluated: 2022-05-05. Review status: criteria provided, single submitter. Criteria: Invitae Variant Classification Sherloc (09022015). Collection method: clinical testing. Allele origin: germline.
Comment: This sequence change replaces isoleucine, which is neutral and non-polar, with threonine, which is neutral and polar, at codon 207 of the TNFSF11 protein (p.Ile207Thr). This variant is not present in population databases (gnomAD no frequency). This variant has not been reported in the literature in individuals affected with TNFSF11-related conditions. Algorithms developed to predict the effect of missense changes on protein structure and function output the following: SIFT: "Tolerated"; PolyPhen-2: "Benign"; Align-GVGD: "Class C0". The threonine amino acid residue is found in multiple mammalian species, which suggests that this missense change does not adversely affect protein function. In summary, the available evidence is currently insufficient to determine the role of this variant in disease. Therefore, it has been classified as a Variant of Uncertain Significance.